The following is an entry in ClinVar:

ClinVar aggregate classification (germline): Pathogenic (1 of 4 stars; one submission).

Conditions:
Ullrich congenital muscular dystrophy 2 (UCMD2). Identifiers: Orphanet 75840, MedGen C4225314, MONDO:0014654, OMIM 616470.
Bethlem myopathy 2 (BTHLM2). Identifiers: Orphanet 536516, Orphanet 610, MedGen C4225313, MONDO:0034022, OMIM 616471.

Submission:

Labcorp Genetics (formerly Invitae), Labcorp
Classification: Pathogenic for Bethlem myopathy 2; Ullrich congenital muscular dystrophy 2. Last evaluated: 2018-10-12. Review status: criteria provided, single submitter. Criteria: Invitae Variant Classification Sherloc (09022015). Collection method: clinical testing. Allele origin: germline.
Comment: This sequence change creates a premature translational stop signal (p.Leu1253*) in the COL12A1 gene. It is expected to result in an absent or disrupted protein product. This variant is not present in population databases (ExAC no frequency). This variant has not been reported in the literature in individuals with COL12A1-related disease. Loss-of-function variants in COL12A1 are known to be pathogenic (PMID: 24334604, 24334769, 27159402, 27348394, 224334604). For these reasons, this variant has been classified as Pathogenic.

Literature cited by the submitters: PubMed 24334604; PubMed 24334769; PubMed 27159402; PubMed 27348394; PubMed 224334604.

NM_004370.6(COL12A1):c.3758T>G (p.Leu1253Ter)

Gene: COL12A1 (collagen type XII alpha 1 chain; minus strand). Cytogenetic location: 6q13.
Variant type: single nucleotide variant.
Coding change: c.3758T>G on transcript NM_004370.6 (MANE Select); coding-DNA position 3758, T replaced by G.
Protein change: p.Leu1253Ter; replaces leucine 1253 with a stop codon.
Molecular consequence: nonsense.
Genome position (GRCh38, 1-based): chr6:75,152,208, A>C on the plus strand (T>G on the coding strand, the complement: COL12A1 is on the minus strand). VCF-style: chr6-75152208-A-C. GRCh37 (hg19) VCF-style: chr6-75861924-A-C.
Other names: c.266T>G, p.Leu89Ter (NM_080645.3); short protein forms L1253*, L89*.
Identifiers: ClinVar variation 647130 (VCV000647130.2), dbSNP rs1582139761, ClinGen allele CA364749455.